The following is an entry in ClinVar:

ClinVar aggregate classification (germline): Conflicting classifications of pathogenicity. Review status: criteria provided, conflicting classifications (1 of 4 stars). 2 submissions from 2 submitters: Uncertain significance (1); Benign (1). Last evaluated 2025-11-08.

Conditions:
Primary ciliary dyskinesia. Also called: Ciliary dyskinesia. Identifiers: Orphanet 244, MedGen C0008780, MONDO:0016575, HP:0012265.

Allele frequency attached by ClinVar (database versions not stated): ExAC 0.00002; TOPMed 0.00004; gnomAD 0.00007.
gnomAD v4.1: 33 of 1,612,898 alleles (0.002%); highest among the groups gnomAD compares: African/African-American, 0.012%; no homozygotes.

Submissions (2):

Labcorp Genetics (formerly Invitae), Labcorp
Classification: Benign for Primary ciliary dyskinesia. Last evaluated: 2025-11-08. Review status: criteria provided, single submitter. Criteria: Invitae Variant Classification Sherloc (09022015). Collection method: clinical testing. Allele origin: germline.

GeneDx
Classification: Uncertain significance. Last evaluated: 2022-11-15. Review status: criteria provided, single submitter. Criteria: GeneDx Variant Classification Process June 2021. Collection method: clinical testing. Allele origin: germline. Affected: yes.
Comment: Has not been previously published as pathogenic or benign to our knowledge; In silico analysis suggests this variant may impact gene splicing. In the absence of RNA/functional studies, the actual effect of this sequence change is unknown.

NM_001277115.2(DNAH11):c.10977G>A (p.Ala3659=)

Gene: DNAH11 (dynein axonemal heavy chain 11; plus strand). Cytogenetic location: 7p15.3.
Variant type: single nucleotide variant.
Coding change: c.10977G>A on transcript NM_001277115.2 (MANE Select); coding-DNA position 10977, G replaced by A.
Protein change: p.Ala3659=; no amino-acid change (alanine 3659 retained).
Molecular consequence: synonymous variant.
Genome position (GRCh38, 1-based): chr7:21,852,547, G>A. VCF-style: chr7-21852547-G-A. GRCh37 (hg19) VCF-style: chr7-21892165-G-A.
Other names: c.10977G>A (NM_001277115.1); c.10998G>A, p.Ala3666= (NM_003777.3).
Identifiers: ClinVar variation 2415003 (VCV002415003.16), dbSNP rs778096489, ClinGen allele CA4182566.
Genomic context (GRCh38, chr7:21,852,547, plus strand): 5'-AAATGATTTTAAAATTGAGCTCAAGTATCTGGAAGACGATCTCCTTTTGCGCCTTTCTGC[G>A]GCAGAGGGAAGCTTTCTGGATGACACCAAACTGGTAGAGAGATTGGAGGCAACAAAGACC-3'
Protein context (NP_001264044.1, residues 3649-3669): LEDDLLLRLS[Ala3659=]AEGSFLDDTK